The following is an entry in ClinVar:

ClinVar aggregate classification (germline): Uncertain significance. Review status: criteria provided, multiple submitters, no conflicts (2 of 4 stars). 2 submissions from 2 submitters: Uncertain significance (2). Last evaluated 2024-12-06.

Conditions:
Fanconi anemia (FA). Also called: Fanconi's anemia. Identifiers: Orphanet 84, MedGen C0015625, MeSH D005199, MONDO:0019391.

Submissions (2):

Quest Diagnostics Nichols Institute San Juan Capistrano
Classification: Uncertain significance. Last evaluated: 2024-12-06. Review status: criteria provided, single submitter. Criteria: Quest Diagnostics criteria. Collection method: clinical testing. Allele origin: unknown.
Comment: The FANCM c.1364_1366del (p.Glu455del) variant has not been reported in individuals with FANCM-related conditions in the published literature. The frequency of this variant in the general population (Genome Aggregation Database) is uninformative in the assessment of its pathogenicity. Based on the available information, we are unable to determine the clinical significance of this variant.

Labcorp Genetics (formerly Invitae), Labcorp
Classification: Uncertain significance for Fanconi anemia. Last evaluated: 2022-03-26. Review status: criteria provided, single submitter. Criteria: Invitae Variant Classification Sherloc (09022015). Collection method: clinical testing. Allele origin: germline.
Comment: In summary, the available evidence is currently insufficient to determine the role of this variant in disease. Therefore, it has been classified as a Variant of Uncertain Significance. Algorithms developed to predict the effect of sequence changes on RNA splicing suggest that this variant may disrupt the consensus splice site. Experimental studies and prediction algorithms are not available or were not evaluated, and the functional significance of this variant is currently unknown. This variant has not been reported in the literature in individuals affected with FANCM-related conditions. This variant is present in population databases (no rsID available, gnomAD 0.003%). This variant, c.1364_1366del, results in the deletion of 1 amino acid(s) of the FANCM protein (p.Glu455del), but otherwise preserves the integrity of the reading frame.

NM_020937.4(FANCM):c.1361AAG[1] (p.Glu455del)

Gene: FANCM (FA complementation group M; plus strand). Cytogenetic location: 14q21.2.
Variant type: Microsatellite.
Coding change: c.1361AAG[1] on transcript NM_020937.4 (MANE Select); one copy of the 3-base unit AAG starting at c.1361; the reference has two copies in a row; one copy, 3 bases deleted; also written c.1364_1366del.
Protein change: p.Glu455del; deletes glutamic acid 455.
Molecular consequence: inframe deletion.
Genome position (GRCh38, 1-based): chr14:45,155,427-45,155,429, AAG deleted; deleting any 3 consecutive bases within chr14:45,155,422-45,155,429 gives the same sequence; the position shown is the placement nearest the transcript's 3' end. VCF-style (leftmost placement, unchanged base first): chr14-45155421-TAGA-T. GRCh37 (hg19) VCF-style: chr14-45624624-TAGA-T.
Other names: c.1364_1366del (NM_020937.3); c.1283AAG[1], p.Glu429del (NM_001308133.2); c.1361AAG[1], p.Glu455del (NM_001308134.2); short protein forms E455del, E429del.
Identifiers: ClinVar variation 1041899 (VCV001041899.10), dbSNP rs1566739002, ClinGen allele CA613825882.